The following is an entry in ClinVar:

ClinVar aggregate classification (germline): Uncertain significance. Review status: criteria provided, multiple submitters, no conflicts (2 of 4 stars). 3 submissions from 3 submitters: Uncertain significance (3). Last evaluated 2023-12-13.

Conditions:
Cardiovascular phenotype. Identifiers: MedGen CN230736.
Long QT syndrome (LQTS). Identifiers: MedGen C0023976, MeSH D008133, MONDO:0002442. Disease mechanism: loss of function. Inheritance: Various modes of inheritance.
Cardiac arrhythmia. Also called: Cardiac rhythm disease; Arrhythmia. Identifiers: MedGen C0003811, MONDO:0007263, HP:0011675.

Submissions (3):

All of Us Research Program, National Institutes of Health
Classification: Uncertain significance for Long QT syndrome. Last evaluated: 2023-12-13. Review status: criteria provided, single submitter. Criteria: ACMG Guidelines, 2015. Collection method: clinical testing. Allele origin: germline. Inheritance: Autosomal dominant inheritance. Observed: 1 variant allele, 1 heterozygote.
Comment: This missense variant replaces leucine with valine at codon 856 of the KCNH2 protein. Computational prediction suggests that this variant may have deleterious impact on protein structure and function (internally defined REVEL score threshold >= 0.7, PMID: 27666373). This variant is found within a highly conserved C-terminus region (a.a. 843-1159). Rare non-truncating variants in this region have been shown to be significantly overrepresented in individuals with long QT syndrome (PMID: 32893267). To our knowledge, functional studies have not been reported for this variant. This variant has not been reported in individuals affected with KCNH2-related disorders in the literature. This variant has not been identified in the general population by the Genome Aggregation Database (gnomAD). The available evidence is insufficient to determine the role of this variant in disease conclusively. Therefore, this variant is classified as a Variant of Uncertain Significance.

This study involves interpretation of variants in research participants for the purpose of population health screening. Participant phenotype was not available at the time of variant classification. Additional details can be found in publication PMID: 35346344, PMCID: PMC8962531

Color Diagnostics, LLC DBA Color Health
Classification: Uncertain significance for Cardiac arrhythmia. Last evaluated: 2023-12-05. Review status: criteria provided, single submitter. Criteria: ACMG Guidelines, 2015. Collection method: clinical testing. Allele origin: germline.
Comment: Variant of Uncertain Significance due to insufficient evidence: This missense variant is located in the cytoplasmic domain of the KCNH2 protein. Computational prediction tools and conservation analyses suggest that this variant may have deleterious impact on the protein function. Computational splicing tools suggest that this variant may not impact RNA splicing. To our knowledge, functional assays have not been performed for this variant nor has this variant been reported in individuals affected with cardiovascular disorders in the literature. This variant is rare in the general population and has been identified in 0/277264 chromosomes by the Genome Aggregation Database (gnomAD). Available evidence is insufficient to determine the pathogenicity of this variant conclusively.

Ambry Genetics
Classification: Uncertain significance for Cardiovascular phenotype. Last evaluated: 2023-10-10. Review status: criteria provided, single submitter. Criteria: Ambry Variant Classification Scheme 2023. Collection method: clinical testing. Allele origin: germline.
Comment: The p.L856V variant (also known as c.2566C>G), located in coding exon 10 of the KCNH2 gene, results from a C to G substitution at nucleotide position 2566. The leucine at codon 856 is replaced by valine, an amino acid with highly similar properties. This amino acid position is highly conserved in available vertebrate species. In addition, this alteration is predicted to be deleterious by in silico analysis. Since supporting evidence is limited at this time, the clinical significance of this alteration remains unclear.

Literature cited by the submitters: PubMed 32893267 (cited by All of Us Research Program, National Institutes of Health).

NM_000238.4(KCNH2):c.2566C>G (p.Leu856Val)

Gene: KCNH2 (potassium voltage-gated channel subfamily H member 2; minus strand). Cytogenetic location: 7q36.1.
Variant type: single nucleotide variant.
Coding change: c.2566C>G on transcript NM_000238.4 (MANE Select); coding-DNA position 2566, C replaced by G.
Protein change: p.Leu856Val; replaces leucine 856 with valine.
Molecular consequence: missense variant.
Genome position (GRCh38, 1-based): chr7:150,948,882, G>C on the plus strand (C>G on the coding strand, the complement: KCNH2 is on the minus strand). VCF-style: chr7-150948882-G-C. GRCh37 (hg19) VCF-style: chr7-150645970-G-C.
Other names: c.1546C>G, p.Leu516Val (NM_172057.3); short protein forms L856V, L516V.
Identifiers: ClinVar variation 629380 (VCV000629380.8), dbSNP rs1563150352, ClinGen allele CA369854759.
Genomic context (GRCh38, chr7:150,948,882, plus strand): 5'-GAGGATGGGGTCCAGCTCAGGGCAGCCAACTCACATCTCGCAGGTTGAAGGTGATCTCCA[G>C]GCTGGACCAGAAGTGGTCGGAGAACTCAGGGTACATGTCCAGCACCTCCAGCAGGTCGTC-3'
Protein context (NP_000229.1, residues 846-866): PEFSDHFWSS[Leu856Val]EITFNLRDTN